The following is an entry in ClinVar:

ClinVar aggregate classification (germline): Uncertain significance (1 of 4 stars; one submission).

Conditions:
Hereditary cancer-predisposing syndrome. Also called: Neoplastic Syndromes, Hereditary; Tumor predisposition; Hereditary neoplastic syndrome; Hereditary Cancer Syndrome. Identifiers: Orphanet 140162, MedGen C0027672, MeSH D009386, MONDO:0015356.

Submission:

Ambry Genetics
Classification: Uncertain significance for Hereditary cancer-predisposing syndrome. Last evaluated: 2022-11-28. Review status: criteria provided, single submitter. Criteria: Ambry Variant Classification Scheme 2023. Collection method: clinical testing. Allele origin: germline.
Comment: The c.64_66delGTGinsATA variant (also known as p.V22I), located in coding exon 2 of the MUTYH gene, results from an in-frame deletion of GTG and insertion of ATA at nucleotide positions 64 to 66. This results in the substitution of the valine residue for a isoleucine residue at codon 22, an amino acid with highly similar properties. This amino acid position is not well conserved in available vertebrate species. In addition, this alteration is predicted to be neutral by in silico analysis (Choi Y et al. PLoS ONE. 2012; 7(10):e46688). Since supporting evidence is limited at this time, the clinical significance of this alteration remains unclear.

NM_001048174.2(MUTYH):c.22_24delinsATA (p.Val8Ile)

Gene: MUTYH (mutY DNA glycosylase; minus strand). Cytogenetic location: 1p34.1.
Variant type: Indel.
Coding change: c.22_24delinsATA on transcript NM_001048174.2 (MANE Select); coding-DNA positions 22 to 24, GTG replaced by ATA.
Protein change: p.Val8Ile; replaces valine 8 with isoleucine.
Molecular consequence: missense variant. On other transcripts: 5 prime UTR variant (4), non-coding transcript variant (2).
Genome position (GRCh38, 1-based): chr1:45,334,482-45,334,484, CAC replaced by TAT on the plus strand (GTG replaced by ATA on the coding strand, the reverse complement: MUTYH is on the minus strand). VCF-style: chr1-45334482-CAC-TAT. GRCh37 (hg19) VCF-style: chr1-45800154-CAC-TAT.
Other names: c.22_24delinsATA, p.Val8Ile (NM_001048171.2, NM_001048172.2, NM_001048173.2 and 2 more transcripts); c.64_66delinsATA, p.Val22Ile (NM_001128425.2, NM_001293190.2, NM_012222.3); c.-191_-189delinsATA (NM_001293192.2, NM_001293196.2); c.-250_-248delinsATA (NM_001350650.2); c.-186_-184delinsATA (NM_001350651.2); short protein forms V8I, V22I.
Identifiers: ClinVar variation 826384 (VCV000826384.4), dbSNP rs1570466281, ClinGen allele CA915941280.